The following is an entry in ClinVar:

ClinVar aggregate classification (germline): Uncertain significance (1 of 4 stars; one submission).

Submission:

Labcorp Genetics (formerly Invitae), Labcorp
Classification: Uncertain significance. Last evaluated: 2022-10-12. Review status: criteria provided, single submitter. Criteria: Invitae Variant Classification Sherloc (09022015). Collection method: clinical testing. Allele origin: germline.
Comment: In summary, the available evidence is currently insufficient to determine the role of this variant in disease. Therefore, it has been classified as a Variant of Uncertain Significance. Algorithms developed to predict the effect of missense changes on protein structure and function (SIFT, PolyPhen-2, Align-GVGD) all suggest that this variant is likely to be disruptive. This variant has not been reported in the literature in individuals affected with VCAN-related conditions. This variant is not present in population databases (gnomAD no frequency). This sequence change replaces arginine, which is basic and polar, with lysine, which is basic and polar, at codon 1330 of the VCAN protein (p.Arg1330Lys).

NM_004385.5(VCAN):c.3989G>A (p.Arg1330Lys)

Gene: VCAN (versican; plus strand). Cytogenetic location: 5q14.3.
Variant type: single nucleotide variant.
Coding change: c.3989G>A on transcript NM_004385.5 (MANE Select); coding-DNA position 3989, G replaced by A.
Protein change: p.Arg1330Lys; replaces arginine 1330 with lysine.
Molecular consequence: missense variant. On other transcripts: intron variant (2).
Genome position (GRCh38, 1-based): chr5:83,522,295, G>A. VCF-style: chr5-83522295-G-A. GRCh37 (hg19) VCF-style: chr5-82818114-G-A.
Other names: c.3989G>A, p.Arg1330Lys (NM_001164098.2); c.1042+9899G>A (NM_001164097.2, NM_001126336.3); short protein forms R1330K.
Identifiers: ClinVar variation 1721468 (VCV001721468.5), dbSNP rs2479060216, ClinGen allele CA360307242.